The following is an entry in ClinVar:

NM_000222.3(KIT):c.527A>G (p.Lys176Arg)

Gene: KIT (KIT proto-oncogene, receptor tyrosine kinase; plus strand). Cytogenetic location: 4q12.
Variant type: single nucleotide variant.
Coding change: c.527A>G on transcript NM_000222.3 (MANE Select); coding-DNA position 527, A replaced by G.
Protein change: p.Lys176Arg; replaces lysine 176 with arginine.
Molecular consequence: missense variant.
Genome position (GRCh38, 1-based): chr4:54,698,473, A>G. VCF-style: chr4-54698473-A-G. GRCh37 (hg19) VCF-style: chr4-55564639-A-G.
Other names: c.527A>G, p.Lys176Arg (NM_001093772.2, NM_001385284.1, NM_001385285.1 and 4 more transcripts); c.527A>G (NM_000222.2); short protein forms K176R.
Identifiers: ClinVar variation 1443374 (VCV001443374.9), dbSNP rs2109673896, ClinGen allele CA356897781.

ClinVar aggregate classification (germline): Conflicting classifications of pathogenicity. Review status: criteria provided, conflicting classifications (1 of 4 stars). 2 submissions from 2 submitters: Uncertain significance (1); Likely benign (1). Last evaluated 2025-07-31.

Conditions:
Gastrointestinal stromal tumor. Also called: Gastrointestinal stroma tumor; Gastrointestinal stromal tumor, somatic. Identifiers: Orphanet 44890, MedGen C0238198, MeSH D046152, MONDO:0011719, OMIM 606764, HP:0100723.
Hereditary cancer-predisposing syndrome. Also called: Hereditary neoplastic syndrome; Tumor predisposition; Hereditary Cancer Syndrome; Neoplastic Syndromes, Hereditary. Identifiers: Orphanet 140162, MedGen C0027672, MeSH D009386, MONDO:0015356.

Allele frequency attached by ClinVar (database versions not stated): gnomAD exomes below 0.00001.
gnomAD v4.1: 1 of 1,614,160 alleles (0.000062%); highest among the groups gnomAD compares: Non-Finnish European, 0.000085%; no homozygotes.

Submissions (2):

Ambry Genetics
Classification: Likely benign for Hereditary cancer-predisposing syndrome. Last evaluated: 2025-07-31. Review status: criteria provided, single submitter. Criteria: Ambry Variant Classification Scheme 2023. Collection method: clinical testing. Allele origin: germline.

Labcorp Genetics (formerly Invitae), Labcorp
Classification: Uncertain significance for Gastrointestinal stromal tumor. Last evaluated: 2021-03-29. Review status: criteria provided, single submitter. Criteria: Invitae Variant Classification Sherloc (09022015). Collection method: clinical testing. Allele origin: germline.
Comment: This sequence change replaces lysine with arginine at codon 176 of the KIT protein (p.Lys176Arg). The lysine residue is moderately conserved and there is a small physicochemical difference between lysine and arginine. In summary, the available evidence is currently insufficient to determine the role of this variant in disease. Therefore, it has been classified as a Variant of Uncertain Significance. Algorithms developed to predict the effect of missense changes on protein structure and function output the following: SIFT: "Tolerated"; PolyPhen-2: "Benign"; Align-GVGD: "Class C0". The arginine amino acid residue is found in multiple mammalian species, suggesting that this missense change does not adversely affect protein function. These predictions have not been confirmed by published functional studies and their clinical significance is uncertain. This variant has not been reported in the literature in individuals with KIT-related conditions. This variant is not present in population databases (ExAC no frequency).